The following is an entry in ClinVar:

NC_000020.10:g.(?_31019104)_(31019307_?)del

Gene: ASXL1 (ASXL transcriptional regulator 1; plus strand). Cytogenetic location: 20q11.21.
Variant type: Deletion.
Identifiers: ClinVar variation 2426140 (VCV002426140.4).

ClinVar aggregate classification (germline): Pathogenic (1 of 4 stars; one submission).

Submission:

Labcorp Genetics (formerly Invitae), Labcorp
Classification: Pathogenic. Last evaluated: 2022-11-08. Review status: criteria provided, single submitter. Criteria: Invitae Variant Classification Sherloc (09022015). Collection method: clinical testing. Allele origin: germline.
Comment: For these reasons, this variant has been classified as Pathogenic. This variant has not been reported in the literature in individuals affected with ASXL1-related conditions. This variant is a gross deletion of the genomic region encompassing exon(s) 9 of the ASXL1 gene. This deletion is out-of-frame, and is expected to create a premature termination codon and result in an absent or disrupted protein product. Loss-of-function variants in ASXL1 are known to be pathogenic (PMID: 21706002).

Literature cited by the submitters: PubMed 21706002.